The following is an entry in ClinVar:

NM_198578.4(LRRK2):c.5475C>G (p.Ile1825Met)

Gene: LRRK2 (leucine rich repeat kinase 2; plus strand). Cytogenetic location: 12q12.
Variant type: single nucleotide variant.
Coding change: c.5475C>G on transcript NM_198578.4 (MANE Select); coding-DNA position 5475, C replaced by G.
Protein change: p.Ile1825Met; replaces isoleucine 1825 with methionine.
Molecular consequence: missense variant.
Genome position (GRCh38, 1-based): chr12:40,322,476, C>G. VCF-style: chr12-40322476-C-G. GRCh37 (hg19) VCF-style: chr12-40716278-C-G.
Other names: short protein forms I1825M.
Identifiers: ClinVar variation 3540522 (VCV003540522.1).

ClinVar aggregate classification (germline): Uncertain significance (1 of 4 stars; one submission).

Conditions:
Inborn genetic diseases. Identifiers: MedGen C0950123, MeSH D030342.

gnomAD v4.1: 7 of 1,613,226 alleles (0.00043%); highest among the groups gnomAD compares: Non-Finnish European, 0.00059%; no homozygotes.

Submission:

Ambry Genetics
Classification: Uncertain significance for Inborn genetic diseases. Last evaluated: 2024-09-18. Review status: criteria provided, single submitter. Criteria: Ambry Variant Classification Scheme 2023. Collection method: clinical testing. Allele origin: germline.
Comment: The p.I1825M variant (also known as c.5475C>G), located in coding exon 37 of the LRRK2 gene, results from a C to G substitution at nucleotide position 5475. The isoleucine at codon 1825 is replaced by methionine, an amino acid with highly similar properties. This amino acid position is conserved. In addition, the in silico prediction for this alteration is inconclusive. Based on the available evidence, the clinical significance of this variant remains unclear.